The following is an entry in ClinVar:

ClinVar aggregate classification (germline): Pathogenic/Likely pathogenic. Review status: criteria provided, multiple submitters, no conflicts (2 of 4 stars). 6 submissions from 6 submitters: Pathogenic (3); Likely pathogenic (2). 1 of the submissions does not count toward it. Last evaluated 2026-01-19.

Conditions:
Autosomal recessive hypophosphatemic bone disease (HHRH). Also called: Hypophosphatemic rickets with hypercalciuria; HYPERCALCIURIC RICKETS. Identifiers: Orphanet 157215, MedGen C1853271, MONDO:0009431, OMIM 241530.

Submissions (6):

Labcorp Genetics (formerly Invitae), Labcorp
Classification: Pathogenic. Last evaluated: 2026-01-19. Review status: criteria provided, single submitter. Criteria: Invitae Variant Classification Sherloc (09022015). Collection method: clinical testing. Allele origin: germline.
Comment: This sequence change falls in intron 9 of the SLC34A3 gene. It does not directly change the encoded amino acid sequence of the SLC34A3 protein. RNA analysis indicates that this variant induces altered splicing and likely results in the gain of 22 amino acid residue(s), but is expected to preserve the integrity of the reading-frame. The frequency data for this variant in the population databases is considered unreliable, as metrics indicate poor data quality at this position in the gnomAD database. This variant has been observed in individual(s) with hereditary hypophosphatemic rickets with hypercalciuria (PMID: 16358214, 16849419, 29809158). In at least one individual the data is consistent with being in trans (on the opposite chromosome) from a pathogenic variant. It has also been observed to segregate with disease in related individuals. This variant is also known as g.2259-2359del. ClinVar contains an entry for this variant (Variation ID: 1433). Variants that disrupt the consensus splice site are a relatively common cause of aberrant splicing (PMID: 17576681, 9536098). Studies have shown that this variant results in the activation of a cryptic splice site in intron 9 (PMID: 16849419). For these reasons, this variant has been classified as Pathogenic.

Greenwood Genetic Center Diagnostic Laboratories, Greenwood Genetic Center
Classification: Likely pathogenic for Autosomal recessive hypophosphatemic bone disease. Last evaluated: 2023-01-19. Review status: criteria provided, single submitter. Criteria: ACMG Guidelines, 2015. Collection method: clinical testing. Allele origin: germline. Affected: yes.
Comment: PM3_Strong, PM4, PS3_Supporting

3billion
Classification: Pathogenic for Autosomal recessive hypophosphatemic bone disease. Last evaluated: 2022-09-01. Review status: criteria provided, single submitter. Criteria: ACMG Guidelines, 2015. Collection method: clinical testing. Allele origin: germline. Affected: yes. Observed: 1 homozygote.
Comment: The variant is observed at an extremely low frequency in the gnomAD v2.1.1 dataset (total allele frequency: 0.003%). This variant on the canonical splice site is predicted to alter splicing and result in a loss or disruption of normal protein function. Multiple pathogenic loss-of-function variants are reported downstream of the variant. The variant has been reported at least twice as pathogenic without evidence for the classification (ClinVar ID: VCV000001433). Therefore, this variant is classified as Pathogenic according to the recommendation of ACMG/AMP guideline.

GeneDx
Classification: Likely pathogenic. Last evaluated: 2022-08-10. Review status: criteria provided, single submitter. Criteria: GeneDx Variant Classification Process June 2021. Collection method: clinical testing. Allele origin: germline. Affected: yes.
Comment: RNA studies indicate that this variant leads to an in-frame inclusion of 22 additional amino acids (Ichikawa et al., 2006); Not observed at significant frequency in large population cohorts (gnomAD); This variant is associated with the following publications: (PMID: 16849419, 33502066, 29809158, 32472541, 16358214, 32963591, 26543054, 34721296, 31672324, 30765103)

Institute of Human Genetics Munich, TUM University Hospital
Classification: Pathogenic for Autosomal recessive hypophosphatemic bone disease. Last evaluated: 2017-09-30. Review status: criteria provided, single submitter. Criteria: Classification criteria August 2017. Collection method: clinical testing. Allele origin: germline. Inheritance: Autosomal recessive inheritance. Affected: yes. Observed: 1 homozygote.

OMIM
Classification: Pathogenic for HYPOPHOSPHATEMIC RICKETS WITH HYPERCALCIURIA, HEREDITARY. Last evaluated: 2006-10-01. Review status: no assertion criteria provided. Collection method: literature only. Allele origin: germline. Not counted in ClinVar's aggregate classification.

Literature cited by the submitters: PubMed 16358214 (cited by Labcorp Genetics (formerly Invitae), Labcorp and OMIM); PubMed 16849419 (cited by Labcorp Genetics (formerly Invitae), Labcorp and OMIM); PubMed 29809158 (cited by Labcorp Genetics (formerly Invitae), Labcorp); PubMed 17576681 (cited by Labcorp Genetics (formerly Invitae), Labcorp); PubMed 9536098 (cited by Labcorp Genetics (formerly Invitae), Labcorp).

NM_001177316.2(SLC34A3):c.925+20_926-48del

Gene: SLC34A3 (solute carrier family 34 member 3; plus strand). Cytogenetic location: 9q34.3.
Variant type: Deletion.
Coding change: c.925+20_926-48del on transcript NM_001177316.2 (MANE Select); 20 bases into the intron after coding-DNA position 925 through 48 bases into the intron before coding-DNA position 926, 101 bases deleted.
Molecular consequence: splice donor variant.
Genome position (GRCh38, 1-based): chr9:137,233,961-137,234,061, 101 bases deleted. GRCh37 (hg19): chr9:140,128,413-140,128,513.
Other names: c.925+20_926-48del (NM_001177317.2, NM_080877.3).
Identifiers: ClinVar variation 1433 (VCV000001433.14), dbSNP rs1554784044, ClinGen allele CA351366.